The following is an entry in ClinVar:

NM_017649.5(CNNM2):c.*891G>T

Gene: CNNM2 (cyclin and CBS domain divalent metal cation transport mediator 2; plus strand). Cytogenetic location: 10q24.32.
Variant type: single nucleotide variant.
Coding change: c.*891G>T on transcript NM_017649.5 (MANE Select); 891 bases downstream of the stop codon, G replaced by T.
Molecular consequence: 3 prime UTR variant.
Genome position (GRCh38, 1-based): chr10:103,078,071, G>T. VCF-style: chr10-103078071-G-T. GRCh37 (hg19) VCF-style: chr10-104837828-G-T.
Other names: c.*891G>T (NM_199076.3).
Identifiers: ClinVar variation 298666 (VCV000298666.6), dbSNP rs185818969, ClinGen allele CA10634485.

ClinVar aggregate classification (germline): Benign. Review status: criteria provided, multiple submitters, no conflicts (2 of 4 stars). 2 submissions from 2 submitters: Benign (2). Last evaluated 2026-05-19.

Conditions:
Renal hypomagnesemia 6. Identifiers: Orphanet 34527, MedGen C3151295, MONDO:0013480, OMIM 613882.

Allele frequency attached by ClinVar (database versions not stated): gnomAD 0.00291 and 0.00309; 1000 Genomes Project 30x 0.00297; gnomAD exomes 0.00920; TOPMed 0.00213; 1000 Genomes Project 0.00240.
gnomAD v4.1: 468 of 152,452 alleles (0.31%); highest among the groups gnomAD compares: South Asian, 0.81%; 3 homozygotes.

Submissions (2):

Revvity Omics, Revvity
Classification: Benign. Last evaluated: 2026-05-19. Review status: criteria provided, single submitter. Criteria: ACMG Guidelines, 2015. Collection method: clinical testing. Allele origin: germline.

Illumina Laboratory Services, Illumina
Classification: Benign for Renal hypomagnesemia 6. Last evaluated: 2018-01-12. Review status: criteria provided, single submitter. Criteria: ICSL Variant Classification Criteria 13 December 2019. Collection method: clinical testing. Allele origin: germline.
Comment: This variant was observed in the ICSL laboratory as part of a predisposition screen in an ostensibly healthy population. It had not been previously curated by ICSL or reported in the Human Gene Mutation Database (HGMD: prior to June 1st, 2018), and was therefore a candidate for classification through an automated scoring system. Utilizing variant allele frequency, disease prevalence and penetrance estimates, and inheritance mode, an automated score was calculated to assess if this variant is too frequent to cause the disease. Based on the score and internal cut-off values, a variant classified as benign is not then subjected to further curation. The score for this variant resulted in a classification of benign for this disease.